The following is an entry in ClinVar:

ClinVar aggregate classification (germline): Uncertain significance (1 of 4 stars; one submission).

Conditions:
Cardiovascular phenotype. Identifiers: MedGen CN230736.

Allele frequency attached by ClinVar (database versions not stated): gnomAD exomes 0.00001.
gnomAD v4.1: 8 of 1,614,112 alleles (0.0005%); highest among the groups gnomAD compares: Non-Finnish European, 0.00068%; no homozygotes.

Submission:

Ambry Genetics
Classification: Uncertain significance for Cardiovascular phenotype. Last evaluated: 2024-03-22. Review status: criteria provided, single submitter. Criteria: Ambry Variant Classification Scheme 2023. Collection method: clinical testing. Allele origin: germline.
Comment: The p.P1858S variant (also known as c.5572C>T), located in coding exon 14 of the ALPK3 gene, results from a C to T substitution at nucleotide position 5572. The proline at codon 1858 is replaced by serine, an amino acid with similar properties. This amino acid position is conserved. In addition, this alteration is predicted to be tolerated by in silico analysis. Since supporting evidence is limited at this time, the clinical significance of this alteration remains unclear.

NM_020778.5(ALPK3):c.4966C>T (p.Pro1656Ser)

Gene: ALPK3 (alpha kinase 3; plus strand). Cytogenetic location: 15q25.3.
Variant type: single nucleotide variant.
Coding change: c.4966C>T on transcript NM_020778.5 (MANE Select); coding-DNA position 4966, C replaced by T.
Protein change: p.Pro1656Ser; replaces proline 1656 with serine.
Molecular consequence: missense variant.
Genome position (GRCh38, 1-based): chr15:84,868,304, C>T. VCF-style: chr15-84868304-C-T. GRCh37 (hg19) VCF-style: chr15-85411535-C-T.
Other names: short protein forms P1656S.
Identifiers: ClinVar variation 1748377 (VCV001748377.3), dbSNP rs199776809, ClinGen allele CA273635664.